The following is an entry in ClinVar:

NM_002510.3(GPNMB):c.1585C>T (p.Leu529=)

Gene: GPNMB (glycoprotein nmb; plus strand). Cytogenetic location: 7p15.3.
Variant type: single nucleotide variant.
Coding change: c.1585C>T on transcript NM_002510.3 (MANE Select); coding-DNA position 1585, C replaced by T.
Protein change: p.Leu529=; no amino-acid change (leucine 529 retained).
Molecular consequence: synonymous variant.
Genome position (GRCh38, 1-based): chr7:23,274,126, C>T. VCF-style: chr7-23274126-C-T. GRCh37 (hg19) VCF-style: chr7-23313745-C-T.
Other names: c.1621C>T, p.Leu541= (NM_001005340.2).
Identifiers: ClinVar variation 714769 (VCV000714769.8), dbSNP rs78340800, ClinGen allele CA4187814.

ClinVar aggregate classification (germline): Benign/Likely benign. Review status: criteria provided, multiple submitters, no conflicts (2 of 4 stars). 3 submissions from 3 submitters: Benign (1); Likely benign (1). 1 of the submissions does not count toward it. Last evaluated 2026-06-01.

Conditions:
GPNMB-related disorder. Also called: GPNMB-related condition.

Allele frequency attached by ClinVar (database versions not stated): 1000 Genomes Project 0.00200; 1000 Genomes Project 30x 0.00203; TOPMed 0.00425; ESP Exome Variant Server 0.00507; ExAC 0.00565; gnomAD exomes 0.00598 and 0.00739; gnomAD 0.00601 and 0.00619.

Submissions (3):

CeGaT Center for Human Genetics Tuebingen
Classification: Likely benign. Last evaluated: 2026-06-01. Review status: criteria provided, single submitter. Criteria: CeGaT Center For Human Genetics Tuebingen Variant Classification Criteria Version 2. Collection method: clinical testing. Allele origin: germline. Affected: yes. Observed: 1 variant allele.
Comment: GPNMB: BP4, BS2

Labcorp Genetics (formerly Invitae), Labcorp
Classification: Benign. Last evaluated: 2019-12-31. Review status: criteria provided, single submitter. Criteria: Invitae Variant Classification Sherloc (09022015). Collection method: clinical testing. Allele origin: germline.

PreventionGenetics, part of Exact Sciences
Classification: Benign for GPNMB-related condition. Last evaluated: 2019-05-23. Review status: no assertion criteria provided. Collection method: clinical testing. Allele origin: germline. Not counted in ClinVar's aggregate classification.
Comment: This variant is classified as benign based on ACMG/AMP sequence variant interpretation guidelines (Richards et al. 2015 PMID: 25741868, with internal and published modifications).